The following is an entry in ClinVar:

NM_020774.4(MIB1):c.289C>T (p.Arg97Ter)

Gene: MIB1 (MIB E3 ubiquitin protein ligase 1; plus strand). Cytogenetic location: 18q11.2.
Variant type: single nucleotide variant.
Coding change: c.289C>T on transcript NM_020774.4 (MANE Select); coding-DNA position 289, C replaced by T.
Protein change: p.Arg97Ter; replaces arginine 97 with a stop codon.
Molecular consequence: nonsense.
Genome position (GRCh38, 1-based): chr18:21,765,831, C>T. VCF-style: chr18-21765831-C-T. GRCh37 (hg19) VCF-style: chr18-19345792-C-T.
Other names: short protein forms R97*.
Identifiers: ClinVar variation 5020498 (VCV005020498.1).
Genomic context (GRCh38, chr18:21,765,831, plus strand): 5'-GGCATCAAGCATGATGGAACCATGTGTGATACCTGCCGCCAGCAACCAATCATTGGCATT[C>T]GATGGAAGTGTGCAGAGTGTACAAATTATGATTTGTGCACAGTGTGTTATCATGGAGATA-3'

ClinVar aggregate classification (germline): Uncertain significance (1 of 4 stars; one submission).

gnomAD v4.1: 80 of 1,613,950 alleles (0.005%); highest among the groups gnomAD compares: East Asian, 0.011%; no homozygotes.

Submission:

Dasa
Classification: Uncertain significance. Last evaluated: 2026-05-22. Review status: criteria provided, single submitter. Criteria: DASA Assertion Criteria. Collection method: clinical testing. Allele origin: germline.
Comment: NM_020774.4(MIB1):c.289C>T (p.Arg97*) is a nonsense variant in MIB1 predicted to introduce a premature termination codon. This variant is rare in population databases. The currently available literature and clinical evidence are not sufficient to establish a definitive association between this variant and the reported condition. Therefore, this variant is classified as a variant of uncertain significance.